The following is an entry in ClinVar:

NM_006755.2(TALDO1):c.245A>T (p.Asn82Ile)

Gene: TALDO1 (transaldolase 1; plus strand). Cytogenetic location: 11p15.5.
Variant type: single nucleotide variant.
Coding change: c.245A>T on transcript NM_006755.2 (MANE Select); coding-DNA position 245, A replaced by T.
Protein change: p.Asn82Ile; replaces asparagine 82 with isoleucine.
Molecular consequence: missense variant.
Genome position (GRCh38, 1-based): chr11:758,973, A>T. VCF-style: chr11-758973-A-T. GRCh37 (hg19) VCF-style: chr11-758973-A-T.
Other names: short protein forms N82I.
Identifiers: ClinVar variation 2067994 (VCV002067994.4), dbSNP rs910828121, ClinGen allele CA216957323.

ClinVar aggregate classification (germline): Uncertain significance (1 of 4 stars; one submission).

Allele frequency attached by ClinVar (database versions not stated): gnomAD 0.00001; TOPMed 0.00002.
gnomAD v4.1: 3 of 1,612,398 alleles (0.00019%); highest among the groups gnomAD compares: African/African-American, 0.004%; no homozygotes.

Submission:

Labcorp Genetics (formerly Invitae), Labcorp
Classification: Uncertain significance. Last evaluated: 2021-12-20. Review status: criteria provided, single submitter. Criteria: Invitae Variant Classification Sherloc (09022015). Collection method: clinical testing. Allele origin: germline.
Comment: In summary, the available evidence is currently insufficient to determine the role of this variant in disease. Therefore, it has been classified as a Variant of Uncertain Significance. Algorithms developed to predict the effect of missense changes on protein structure and function are either unavailable or do not agree on the potential impact of this missense change (SIFT: "Deleterious"; PolyPhen-2: "Possibly Damaging"; Align-GVGD: "Class C0"). This variant has not been reported in the literature in individuals affected with TALDO1-related conditions. This variant is not present in population databases (gnomAD no frequency). This sequence change replaces asparagine, which is neutral and polar, with isoleucine, which is neutral and non-polar, at codon 82 of the TALDO1 protein (p.Asn82Ile).